The following is an entry in ClinVar:

ClinVar aggregate classification (germline): Uncertain significance (1 of 4 stars; one submission).

Allele frequency attached by ClinVar (database versions not stated): ExAC 0.00002.

Submission:

Labcorp Genetics (formerly Invitae), Labcorp
Classification: Uncertain significance. Last evaluated: 2022-10-25. Review status: criteria provided, single submitter. Criteria: Invitae Variant Classification Sherloc (09022015). Collection method: clinical testing. Allele origin: germline.
Comment: This sequence change replaces proline, which is neutral and non-polar, with serine, which is neutral and polar, at codon 1106 of the COL11A2 protein (p.Pro1106Ser). This variant is not present in population databases (gnomAD no frequency). This variant has not been reported in the literature in individuals affected with COL11A2-related conditions. Advanced modeling of protein sequence and biophysical properties (such as structural, functional, and spatial information, amino acid conservation, physicochemical variation, residue mobility, and thermodynamic stability) performed at Invitae indicates that this missense variant is not expected to disrupt COL11A2 protein function. In summary, the available evidence is currently insufficient to determine the role of this variant in disease. Therefore, it has been classified as a Variant of Uncertain Significance.

NM_080680.3(COL11A2):c.3316C>T (p.Pro1106Ser)

Gene: COL11A2 (collagen type XI alpha 2 chain; minus strand). Cytogenetic location: 6p21.32.
Variant type: single nucleotide variant.
Coding change: c.3316C>T on transcript NM_080680.3 (MANE Select); coding-DNA position 3316, C replaced by T.
Protein change: p.Pro1106Ser; replaces proline 1106 with serine.
Molecular consequence: missense variant.
Genome position (GRCh38, 1-based): chr6:33,171,164, G>A on the plus strand (C>T on the coding strand, the complement: COL11A2 is on the minus strand). VCF-style: chr6-33171164-G-A. GRCh37 (hg19) VCF-style: chr6-33138941-G-A.
Other names: c.2995C>T, p.Pro999Ser (NM_080679.3); c.3058C>T, p.Pro1020Ser (NM_080681.3); short protein forms P1020S, P1106S, P999S.
Identifiers: ClinVar variation 2417487 (VCV002417487.8), dbSNP rs750288105, ClinGen allele CA3750556.